The following is an entry in ClinVar:

NM_182476.3(COQ6):c.919A>G (p.Ile307Val)

Genes: COQ6 (coenzyme Q6, monooxygenase; plus strand), ENTPD5 (ectonucleoside triphosphate diphosphohydrolase 5; minus strand). Cytogenetic location: 14q24.3.
Variant type: single nucleotide variant.
Coding change: c.919A>G on transcript NM_182476.3 (MANE Select); coding-DNA position 919, A replaced by G.
Protein change: p.Ile307Val; replaces isoleucine 307 with valine.
Molecular consequence: missense variant. On other transcripts: 3 prime UTR variant (1), intron variant (5).
Genome position (GRCh38, 1-based): chr14:73,961,200, A>G. VCF-style: chr14-73961200-A-G. GRCh37 (hg19) VCF-style: chr14-74427903-A-G.
Other names: c.694A>G, p.Ile232Val (NM_001425259.1, NM_001425260.1, NM_001425261.1); c.664A>G, p.Ile222Val (NM_001425262.1); c.592A>G, p.Ile198Val (NM_001425263.1); c.379A>G, p.Ile127Val (NM_001425264.1, NM_001425265.1); c.844A>G, p.Ile282Val (NM_182480.3); c.*333T>C (NM_001321984.2); c.1201-5613T>C (NM_001382258.1); c.1201-5372T>C (NM_001382262.1); and 5 more; short protein forms I307V, I282V.
Identifiers: ClinVar variation 2132876 (VCV002132876.4), dbSNP rs1173142007, ClinGen allele CA390376893.

ClinVar aggregate classification (germline): Conflicting classifications of pathogenicity. Review status: criteria provided, conflicting classifications (1 of 4 stars). 2 submissions from 2 submitters: Uncertain significance (1); Likely benign (1). Last evaluated 2025-10-23.

Conditions:
Inborn genetic diseases. Identifiers: MedGen C0950123, MeSH D030342.

gnomAD v4.1: 3 of 1,613,944 alleles (0.00019%); highest among the groups gnomAD compares: South Asian, 0.0011%; no homozygotes.

Submissions (2):

Ambry Genetics
Classification: Likely benign for Inborn genetic diseases. Last evaluated: 2025-10-23. Review status: criteria provided, single submitter. Criteria: Ambry Variant Classification Scheme 2023. Collection method: clinical testing. Allele origin: germline.

Labcorp Genetics (formerly Invitae), Labcorp
Classification: Uncertain significance. Last evaluated: 2022-08-09. Review status: criteria provided, single submitter. Criteria: Invitae Variant Classification Sherloc (09022015). Collection method: clinical testing. Allele origin: germline.
Comment: Algorithms developed to predict the effect of missense changes on protein structure and function output the following: SIFT: "Tolerated"; PolyPhen-2: "Benign"; Align-GVGD: "Class C0". The valine amino acid residue is found in multiple mammalian species, which suggests that this missense change does not adversely affect protein function. In summary, the available evidence is currently insufficient to determine the role of this variant in disease. Therefore, it has been classified as a Variant of Uncertain Significance. This sequence change replaces isoleucine, which is neutral and non-polar, with valine, which is neutral and non-polar, at codon 307 of the COQ6 protein (p.Ile307Val). This variant is not present in population databases (gnomAD no frequency). This variant has not been reported in the literature in individuals affected with COQ6-related conditions.